The following is an entry in ClinVar:

NM_004006.3(DMD):c.7652C>T (p.Thr2551Met)

Gene: DMD (dystrophin; minus strand). Cytogenetic location: Xp21.1.
Variant type: single nucleotide variant.
Coding change: c.7652C>T on transcript NM_004006.3 (MANE Select); coding-DNA position 7652, C replaced by T.
Protein change: p.Thr2551Met; replaces threonine 2551 with methionine.
Molecular consequence: missense variant.
Genome position (GRCh38, 1-based): chrX:31,729,639, G>A on the plus strand (C>T on the coding strand, the complement: DMD is on the minus strand). VCF-style: chrX-31729639-G-A. GRCh37 (hg19) VCF-style: chrX-31747756-G-A.
Other names: c.7628C>T, p.Thr2543Met (NM_000109.4); c.7640C>T, p.Thr2547Met (NM_004009.3); c.7283C>T, p.Thr2428Met (NM_004010.3); c.3629C>T, p.Thr1210Met (NM_004011.4); c.3620C>T, p.Thr1207Met (NM_004012.4); c.272C>T, p.Thr91Met (NM_004013.3, NM_004020.4, NM_004021.3 and 2 more transcripts); short protein forms T2543M, T2551M, T91M, T1207M, T1210M, T2428M, T2547M.
Identifiers: ClinVar variation 860254 (VCV000860254.9), dbSNP rs778691311, ClinGen allele CA10378240.

ClinVar aggregate classification (germline): Uncertain significance. Review status: criteria provided, multiple submitters, no conflicts (2 of 4 stars). 3 submissions from 3 submitters: Uncertain significance (2). 1 of the submissions does not count toward it. Last evaluated 2026-01-22.

Conditions:
Duchenne muscular dystrophy (DMD). Also called: Duchenne Muscular Dystrophy (DMD); MUSCULAR DYSTROPHY, PSEUDOHYPERTROPHIC PROGRESSIVE, DUCHENNE TYPE. Identifiers: Orphanet 98896, MedGen C0013264, MONDO:0010679, OMIM 310200.
Dystrophin deficiency.
Cardiovascular phenotype. Identifiers: MedGen CN230736.

Allele frequency attached by ClinVar (database versions not stated): ExAC 0.00001; gnomAD exomes 0.00001.
gnomAD v4.1: 14 of 1,206,256 alleles (0.0012%); highest among the groups gnomAD compares: South Asian, 0.0053%; no homozygotes.

Submissions (3):

Labcorp Genetics (formerly Invitae), Labcorp
Classification: Uncertain significance for Duchenne muscular dystrophy. Last evaluated: 2026-01-22. Review status: criteria provided, single submitter. Criteria: Invitae Variant Classification Sherloc (09022015). Collection method: clinical testing. Allele origin: germline.
Comment: This sequence change replaces threonine, which is neutral and polar, with methionine, which is neutral and non-polar, at codon 2551 of the DMD protein (p.Thr2551Met). The frequency data for this variant in the population databases is considered unreliable, as metrics indicate poor data quality at this position in the gnomAD database. This variant has not been reported in the literature in individuals affected with DMD-related conditions. ClinVar contains an entry for this variant (Variation ID: 860254). Invitae Evidence Modeling of protein sequence and biophysical properties (such as structural, functional, and spatial information, amino acid conservation, physicochemical variation, residue mobility, and thermodynamic stability) indicates that this missense variant is not expected to disrupt DMD protein function with a negative predictive value of 95%. In summary, the available evidence is currently insufficient to determine the role of this variant in disease. Therefore, it has been classified as a Variant of Uncertain Significance.

Ambry Genetics
Classification: Uncertain significance for Cardiovascular phenotype. Last evaluated: 2025-07-03. Review status: criteria provided, single submitter. Criteria: Ambry Variant Classification Scheme 2023. Collection method: clinical testing. Allele origin: germline.
Comment: The p.T2551M variant (also known as c.7652C>T), located in coding exon 52 of the DMD gene, results from a C to T substitution at nucleotide position 7652. The threonine at codon 2551 is replaced by methionine, an amino acid with similar properties. This amino acid position is highly conserved in available vertebrate species. In addition, the in silico prediction for this alteration is inconclusive. Based on data from gnomAD, the T allele has an overall frequency of 0.0005% (1/183494) total alleles studied, with 1 hemizygote(s) observed. The highest observed frequency was 0.0072% (1/13861) of East Asian alleles. Based on the available evidence, the clinical significance of this variant remains unclear.

Natera, Inc.
Classification: Uncertain significance for Dystrophin deficiency. Last evaluated: 2020-09-16. Review status: no assertion criteria provided. Collection method: clinical testing. Allele origin: germline. Not counted in ClinVar's aggregate classification.